The following is an entry in ClinVar:

ClinVar aggregate classification (germline): Uncertain significance (1 of 4 stars; one submission).

Submission:

GeneDx
Classification: Uncertain significance. Last evaluated: 2017-06-06. Review status: criteria provided, single submitter. Criteria: GeneDx Variant Classification (06012015). Collection method: clinical testing. Allele origin: germline. Affected: yes.
Comment: The R175G variant in the IL1RAPL1 gene has not been reported previously as a pathogenic variant, nor as a benign variant, to our knowledge. The R175G variant is not observed in large population cohorts (Lek et al., 2016; 1000 Genomes Consortium et al., 2015; Exome Variant Server). The R175G variant is a non-conservative amino acid substitution, which is likely to impact secondary protein structure as these residues differ in polarity, charge, size and/or other properties. This substitution occurs at a position that is not conserved. In silico analysis is inconsistent in its predictions as to whether or not the variant is damaging to the protein structure/function. We interpret R175G as a variant of uncertain significance.

NM_014271.4(IL1RAPL1):c.523A>G (p.Arg175Gly)

Gene: IL1RAPL1 (interleukin 1 receptor accessory protein like 1; plus strand). Cytogenetic location: Xp21.2.
Variant type: single nucleotide variant.
Coding change: c.523A>G on transcript NM_014271.4 (MANE Select); coding-DNA position 523, A replaced by G.
Protein change: p.Arg175Gly; replaces arginine 175 with glycine.
Molecular consequence: missense variant.
Genome position (GRCh38, 1-based): chrX:29,396,418, A>G. VCF-style: chrX-29396418-A-G. GRCh37 (hg19) VCF-style: chrX-29414535-A-G.
Other names: short protein forms R175G.
Identifiers: ClinVar variation 432465 (VCV000432465.2), dbSNP rs1556004666, ClinGen allele CA412632376.